The following is an entry in ClinVar:

ClinVar aggregate classification (germline): Uncertain significance (1 of 4 stars; one submission).

Conditions:
TMEM67-related disorder. Also called: TMEM67-related disorders; TMEM67-related condition. Identifiers: MedGen CN239423.

Submission:

PreventionGenetics, part of Exact Sciences
Classification: Uncertain significance for TMEM67-related condition. Last evaluated: 2025-07-20. Review status: criteria provided, single submitter. Criteria: ACMG Guidelines, 2015. Collection method: clinical testing. Allele origin: germline.
Comment: The TMEM67 c.1574A>T variant is predicted to result in the amino acid substitution p.Asp525Val. To our knowledge, this variant has not been reported in the literature or in a large population database (gnomAD), indicating this variant is rare. At this time, the clinical significance of this variant is uncertain due to the absence of conclusive functional and genetic evidence.

NM_153704.6(TMEM67):c.1574A>T (p.Asp525Val)

Gene: TMEM67 (transmembrane protein 67; plus strand). Cytogenetic location: 8q22.1.
Variant type: single nucleotide variant.
Coding change: c.1574A>T on transcript NM_153704.6 (MANE Select); coding-DNA position 1574, A replaced by T.
Protein change: p.Asp525Val; replaces aspartic acid 525 with valine.
Molecular consequence: missense variant. On other transcripts: non-coding transcript variant (1).
Genome position (GRCh38, 1-based): chr8:93,791,318, A>T. VCF-style: chr8-93791318-A-T. GRCh37 (hg19) VCF-style: chr8-94803546-A-T.
Other names: c.1331A>T, p.Asp444Val (NM_001142301.1); short protein forms D444V, D525V.
Identifiers: ClinVar variation 4997528 (VCV004997528.1).